The following is an entry in ClinVar:

NM_001267550.2(TTN):c.104605_104630del (p.Glu34869fs)

Genes: TTN (titin; minus strand), TTN-AS1 (TTN antisense RNA 1; plus strand). Cytogenetic location: 2q31.2.
Variant type: Deletion.
Coding change: c.104605_104630del on transcript NM_001267550.2 (MANE Select); coding-DNA positions 104605 to 104630, 26 bases deleted (GAAGATGACACAGAAAGAAGGTCACC).
Protein change: p.Glu34869fs; shifts the reading frame from glutamic acid 34869.
Molecular consequence: frameshift variant.
Genome position (GRCh38, 1-based): chr2:178,531,985-178,532,010, GGTGACCTTCTTTCTGTGTCATCTTC deleted on the plus strand (GAAGATGACACAGAAAGAAGGTCACC on the coding strand, the reverse complement: TTN is on the minus strand); deleting any 26 consecutive bases within chr2:178,531,985-178,532,011 gives the same sequence; the c. name uses the placement nearest the transcript's 3' end. VCF-style (leftmost placement, unchanged base first): chr2-178531984-AGGTGACCTTCTTTCTGTGTCATCTTC-A. GRCh37 (hg19) VCF-style: chr2-179396711-AGGTGACCTTCTTTCTGTGTCATCTTC-A.
Other names: c.99682_99707del, p.Glu33228fs (NM_001256850.1); c.77410_77435del, p.Glu25804fs (NM_003319.4); c.96901_96926del, p.Glu32301fs (NM_133378.4); c.77785_77810del, p.Glu25929fs (NM_133432.3); c.77986_78011del, p.Glu25996fs (NM_133437.4); short protein forms E25804fs, E25929fs, E25996fs, E32301fs, E33228fs, E34869fs.
Identifiers: ClinVar variation 5041536 (VCV005041536.1).

ClinVar aggregate classification (germline): Likely pathogenic (1 of 4 stars; one submission).

Submission:

CeGaT Center for Human Genetics Tuebingen
Classification: Likely pathogenic. Last evaluated: 2026-09-01. Review status: criteria provided, single submitter. Criteria: CeGaT Center For Human Genetics Tuebingen Variant Classification Criteria Version 2. Collection method: clinical testing. Allele origin: germline. Affected: yes. Observed: 1 variant allele.
Comment: TTN: PVS1:Strong, PM2